The following is an entry in ClinVar:

ClinVar aggregate classification (germline): Likely benign (1 of 4 stars; one submission).

Allele frequency attached by ClinVar (database versions not stated): TOPMed 0.00007; gnomAD 0.00027; 1000 Genomes Project 0.00060; 1000 Genomes Project 30x 0.00062; ExAC 0.00214.
gnomAD v4.1: 493 of 1,584,142 alleles (0.031%); highest among the groups gnomAD compares: South Asian, 0.53%; 3 homozygotes.

Submission:

CeGaT Center for Human Genetics Tuebingen
Classification: Likely benign. Last evaluated: 2022-04-01. Review status: criteria provided, single submitter. Criteria: CeGaT Center For Human Genetics Tuebingen Variant Classification Criteria Version 2. Collection method: clinical testing. Allele origin: germline. Affected: yes. Observed: 1 variant allele.
Comment: LILRB5: BP4

NM_001081442.3(LILRB5):c.1289G>C (p.Gly430Ala)

Gene: LILRB5 (leukocyte immunoglobulin like receptor B5; minus strand). Cytogenetic location: 19q13.42.
Variant type: single nucleotide variant.
Coding change: c.1289G>C on transcript NM_001081442.3 (MANE Select); coding-DNA position 1289, G replaced by C.
Protein change: p.Gly430Ala; replaces glycine 430 with alanine.
Molecular consequence: missense variant.
Genome position (GRCh38, 1-based): chr19:54,254,382, C>G on the plus strand (G>C on the coding strand, the complement: LILRB5 is on the minus strand). VCF-style: chr19-54254382-C-G. GRCh37 (hg19) VCF-style: chr19-54758245-C-G.
Other names: c.989G>C, p.Gly330Ala (NM_001081443.3); c.1262G>C, p.Gly421Ala (NM_001304457.3, NM_001412269.1); c.1289G>C, p.Gly430Ala (NM_006840.5); short protein forms G330A, G421A, G430A.
Identifiers: ClinVar variation 2650434 (VCV002650434.24), dbSNP rs568897572, ClinGen allele CA309427951.
Genomic context (GRCh38, chr19:54,254,382, plus strand): 5'-GGAGACCACGCTCCCTCCGAGCCCAGAGGCCTCAGTGACTCACCAGGTGTGGGGGTGGAG[C>G]CTGTAGGTGAGAGGCTGGGATCCCCAGAGGGTCCTGGGAATAAGCACAGAAAGGGAGCGA-3'
Protein context (NP_001074911.2, residues 420-440): PSGDPSLSPT[Gly430Ala]STPTPAGPED